The following is an entry in ClinVar:

NM_001384732.1(CPLANE1):c.6825_6826delinsCC (p.Ala2276Pro)

Gene: CPLANE1 (ciliogenesis and planar polarity effector complex subunit 1; minus strand). Cytogenetic location: 5p13.2.
Variant type: Indel.
Coding change: c.6825_6826delinsCC on transcript NM_001384732.1 (MANE Select); coding-DNA positions 6825 to 6826, AG replaced by CC.
Protein change: p.Ala2276Pro; replaces alanine 2276 with proline.
Molecular consequence: missense variant.
Genome position (GRCh38, 1-based): chr5:37,169,198-37,169,199, CT replaced by GG on the plus strand (AG replaced by CC on the coding strand, the reverse complement: CPLANE1 is on the minus strand). VCF-style: chr5-37169198-CT-GG. GRCh37 (hg19) VCF-style: chr5-37169300-CT-GG.
Other names: c.6825_6826delinsCC (NM_023073.3); c.6825_6826delinsCC, p.Ala2276Pro (NM_023073.4); short protein forms A2276P.
Identifiers: ClinVar variation 2153056 (VCV002153056.4), dbSNP rs2547570537, ClinGen allele CA2580073238.
Genomic context (GRCh38, chr5:37,169,198, plus strand): 5'-TTTTTCTGGCTTCAGTGTTATACTGGCTTACATTCAAATGGGATGCTGGAGTAGTTTGTG[CT>GG]GCTCTCTGTGGCAGAGCAGGTTGGAAGGAGTCAGATAATCCCCAAGCCTCTCTTGGTTGT-3'
Protein context (NP_001371661.1, residues 2266-2286): SFQPALPQRA[Ala2276Pro]QTTPASHLNV

ClinVar aggregate classification (germline): Uncertain significance. Review status: criteria provided, multiple submitters, no conflicts (2 of 4 stars). 2 submissions from 2 submitters: Uncertain significance (2). Last evaluated 2024-04-29.

Conditions:
Joubert syndrome 17 (JBTS17). Identifiers: Orphanet 475, MedGen C3553264, MONDO:0013824, OMIM 614615.
Orofaciodigital syndrome type 6 (OFD6). Also called: OROFACIODIGITAL SYNDROME VI; OFDS VI; POLYDACTYLY, CLEFT LIP/PALATE OR LINGUAL LUMP, AND PSYCHOMOTOR RETARDATION; VARADI SYNDROME; VARADI-PAPP SYNDROME; Oral-facial-digital syndrome type 6. Identifiers: Orphanet 2754, MedGen C2745997, MONDO:0010176, OMIM 277170.

Submissions (2):

Fulgent Genetics
Classification: Uncertain significance for Orofaciodigital syndrome type 6; Joubert syndrome 17. Last evaluated: 2024-04-29. Review status: criteria provided, single submitter. Criteria: ACMG Guidelines, 2015. Collection method: clinical testing. Allele origin: germline.

Labcorp Genetics (formerly Invitae), Labcorp
Classification: Uncertain significance. Last evaluated: 2022-08-16. Review status: criteria provided, single submitter. Criteria: Invitae Variant Classification Sherloc (09022015). Collection method: clinical testing. Allele origin: germline.
Comment: Information on the frequency of this variant in the gnomAD database is not available, as this variant may be reported differently in the database. This variant has not been reported in the literature in individuals affected with CPLANE1-related conditions. This sequence change replaces alanine, which is neutral and non-polar, with proline, which is neutral and non-polar, at codon 2276 of the CPLANE1 protein (p.Ala2276Pro). Experimental studies and prediction algorithms are not available or were not evaluated, and the functional significance of this variant is currently unknown. In summary, the available evidence is currently insufficient to determine the role of this variant in disease. Therefore, it has been classified as a Variant of Uncertain Significance.